The following is an entry in ClinVar:

NM_015662.3(IFT172):c.4576C>G (p.Pro1526Ala)

Gene: IFT172 (intraflagellar transport 172; minus strand). Cytogenetic location: 2p23.3.
Variant type: single nucleotide variant.
Coding change: c.4576C>G on transcript NM_015662.3 (MANE Select); coding-DNA position 4576, C replaced by G.
Protein change: p.Pro1526Ala; replaces proline 1526 with alanine.
Molecular consequence: missense variant.
Genome position (GRCh38, 1-based): chr2:27,447,598, G>C on the plus strand (C>G on the coding strand, the complement: IFT172 is on the minus strand). VCF-style: chr2-27447598-G-C. GRCh37 (hg19) VCF-style: chr2-27670465-G-C.
Other names: c.4510C>G, p.Pro1504Ala (NM_001410739.1); c.4576C>G (NM_015662.1); short protein forms P1504A, P1526A.
Identifiers: ClinVar variation 2167333 (VCV002167333.4), dbSNP rs762450548, ClinGen allele CA1579551.

ClinVar aggregate classification (germline): Uncertain significance. Review status: criteria provided, multiple submitters, no conflicts (2 of 4 stars). 2 submissions from 2 submitters: Uncertain significance (2). Last evaluated 2025-02-07.

Conditions:
Short-rib thoracic dysplasia 10 with or without polydactyly (SRTD10). Identifiers: Orphanet 474, MedGen C3810175, MONDO:0014284, OMIM 615630.
Retinitis pigmentosa 71 (RP71). Identifiers: Orphanet 791, MedGen C4225342, MONDO:0014618, OMIM 616394.
Inborn genetic diseases. Identifiers: MedGen C0950123, MeSH D030342.

Allele frequency attached by ClinVar (database versions not stated): gnomAD exomes below 0.00001; ExAC 0.00001; gnomAD 0.00001; TOPMed 0.00003.
gnomAD v4.1: 7 of 1,614,028 alleles (0.00043%); highest among the groups gnomAD compares: African/African-American, 0.0067%; no homozygotes.

Submissions (2):

Ambry Genetics
Classification: Uncertain significance for Inborn genetic diseases. Last evaluated: 2025-02-07. Review status: criteria provided, single submitter. Criteria: Ambry Variant Classification Scheme 2023. Collection method: clinical testing. Allele origin: germline.

Labcorp Genetics (formerly Invitae), Labcorp
Classification: Uncertain significance for Retinitis pigmentosa 71; Short-rib thoracic dysplasia 10 with or without polydactyly. Last evaluated: 2024-09-03. Review status: criteria provided, single submitter. Criteria: Invitae Variant Classification Sherloc (09022015). Collection method: clinical testing. Allele origin: germline.
Comment: This sequence change replaces proline, which is neutral and non-polar, with alanine, which is neutral and non-polar, at codon 1526 of the IFT172 protein (p.Pro1526Ala). This variant is present in population databases (rs762450548, gnomAD 0.01%). This variant has not been reported in the literature in individuals affected with IFT172-related conditions. ClinVar contains an entry for this variant (Variation ID: 2167333). Invitae Evidence Modeling of protein sequence and biophysical properties (such as structural, functional, and spatial information, amino acid conservation, physicochemical variation, residue mobility, and thermodynamic stability) indicates that this missense variant is not expected to disrupt IFT172 protein function with a negative predictive value of 80%. In summary, the available evidence is currently insufficient to determine the role of this variant in disease. Therefore, it has been classified as a Variant of Uncertain Significance.